The following is an entry in ClinVar:

ClinVar aggregate classification (germline): Uncertain significance. Review status: criteria provided, multiple submitters, no conflicts (2 of 4 stars). 2 submissions from 2 submitters: Uncertain significance (2). Last evaluated 2025-11-09.

Conditions:
Hereditary cancer-predisposing syndrome. Also called: Hereditary neoplastic syndrome; Neoplastic Syndromes, Hereditary; Tumor predisposition; Hereditary Cancer Syndrome. Identifiers: Orphanet 140162, MedGen C0027672, MeSH D009386, MONDO:0015356.
Fanconi anemia complementation group J. Also called: BRIP1-Related Fanconi Anemia. Identifiers: Orphanet 84, MedGen C1836860, MONDO:0012187, OMIM 609054.
Familial cancer of breast. Also called: BREAST CANCER, FAMILIAL; Hereditary breast cancer; hereditary breast carcinoma. Identifiers: Orphanet 227535, MedGen C0346153, MONDO:0016419, OMIM 114480. Disease mechanism: loss of function.

Allele frequency attached by ClinVar (database versions not stated): TOPMed below 0.00001.

Submissions (2):

Labcorp Genetics (formerly Invitae), Labcorp
Classification: Uncertain significance for Familial cancer of breast; Fanconi anemia complementation group J. Last evaluated: 2025-11-09. Review status: criteria provided, single submitter. Criteria: Invitae Variant Classification Sherloc (09022015). Collection method: clinical testing. Allele origin: germline.
Comment: This sequence change replaces cysteine, which is neutral and slightly polar, with arginine, which is basic and polar, at codon 298 of the BRIP1 protein (p.Cys298Arg). This variant is not present in population databases (gnomAD no frequency). This variant has not been reported in the literature in individuals affected with BRIP1-related conditions. ClinVar contains an entry for this variant (Variation ID: 483160). Invitae Evidence Modeling of protein sequence and biophysical properties (such as structural, functional, and spatial information, amino acid conservation, physicochemical variation, residue mobility, and thermodynamic stability) has been performed for this missense variant. However, the output from this modeling did not meet the statistical confidence thresholds required to predict the impact of this variant on BRIP1 protein function. In summary, the available evidence is currently insufficient to determine the role of this variant in disease. Therefore, it has been classified as a Variant of Uncertain Significance.

Ambry Genetics
Classification: Uncertain significance for Hereditary cancer-predisposing syndrome. Last evaluated: 2022-08-23. Review status: criteria provided, single submitter. Criteria: Ambry Variant Classification Scheme 2023. Collection method: clinical testing. Allele origin: germline.
Comment: The p.C298R variant (also known as c.892T>C), located in coding exon 6 of the BRIP1 gene, results from a T to C substitution at nucleotide position 892. The cysteine at codon 298 is replaced by arginine, an amino acid with highly dissimilar properties. This variant was not reported in population based cohorts in the following databases: Database of Single Nucleotide Polymorphisms (dbSNP), NHLBI Exome Sequencing Project (ESP), and 1000 Genomes Project. In the ESP, this variant was not observed in 6503 samples (13006 alleles) with coverage at this position. To date, this alteration has been detected with an allele frequency of approximately 0.001% (greater than 175000 alleles tested) in our clinical cohort. This amino acid position is highly conserved in available vertebrate species. In addition, this alteration is predicted to be deleterious by in silico analysis. Since supporting evidence is limited at this time, the clinical significance of this alteration remains unclear.

NM_032043.3(BRIP1):c.892T>C (p.Cys298Arg)

Gene: BRIP1 (BRCA1 interacting DNA helicase 1; minus strand). Cytogenetic location: 17q23.2.
Variant type: single nucleotide variant.
Coding change: c.892T>C on transcript NM_032043.3 (MANE Select); coding-DNA position 892, T replaced by C.
Protein change: p.Cys298Arg; replaces cysteine 298 with arginine.
Molecular consequence: missense variant.
Genome position (GRCh38, 1-based): chr17:61,808,493, A>G on the plus strand (T>C on the coding strand, the complement: BRIP1 is on the minus strand). VCF-style: chr17-61808493-A-G. GRCh37 (hg19) VCF-style: chr17-59885854-A-G.
Other names: short protein forms C298R.
Identifiers: ClinVar variation 483160 (VCV000483160.8), dbSNP rs1555609145, ClinGen allele CA400484692.